The following is an entry in ClinVar:

ClinVar aggregate classification (germline): Benign (1 of 4 stars; one submission).

Allele frequency attached by ClinVar (database versions not stated): 1000 Genomes Project 30x 0.03513; 1000 Genomes Project 0.03574; TOPMed 0.06936; gnomAD 0.07739 and 0.07963; gnomAD exomes 0.07984; ESP Exome Variant Server 0.08100; ExAC 0.08225.
gnomAD v4.1: 160,893 of 1,575,516 alleles (10%); highest among the groups gnomAD compares: Non-Finnish European, 12%; 9,727 homozygotes.

Submission:

GeneDx
Classification: Benign. Last evaluated: 2018-06-14. Review status: criteria provided, single submitter. Criteria: GeneDx Variant Classification (06012015). Collection method: clinical testing. Allele origin: germline. Affected: yes.
Comment: This variant is considered likely benign or benign based on one or more of the following criteria: it is a conservative change, it occurs at a poorly conserved position in the protein, it is predicted to be benign by multiple in silico algorithms, and/or has population frequency not consistent with disease.

NM_020442.6(VARS2):c.1074+37C>T

Gene: VARS2 (valyl-tRNA synthetase 2, mitochondrial; plus strand). Cytogenetic location: 6p21.33.
Variant type: single nucleotide variant.
Coding change: c.1074+37C>T on transcript NM_020442.6 (MANE Select); 37 bases into the intron after coding-DNA position 1074, C replaced by T.
Molecular consequence: intron variant.
Genome position (GRCh38, 1-based): chr6:30,918,952, C>T. VCF-style: chr6-30918952-C-T. GRCh37 (hg19) VCF-style: chr6-30886729-C-T.
Other names: c.1164+37C>T (NM_001167734.2); c.654+37C>T (NM_001167733.3).
Identifiers: ClinVar variation 676435 (VCV000676435.1), dbSNP rs41273021, ClinGen allele CA3705807.